The following is an entry in ClinVar:

ClinVar aggregate classification (germline): Uncertain significance (1 of 4 stars; one submission).

Conditions:
Anauxetic dysplasia. Identifiers: Orphanet 93347, MedGen C1846796, MONDO:0011773.

Submission:

Labcorp Genetics (formerly Invitae), Labcorp
Classification: Uncertain significance for Anauxetic dysplasia. Last evaluated: 2025-01-14. Review status: criteria provided, single submitter. Criteria: Invitae Variant Classification Sherloc (09022015). Collection method: clinical testing. Allele origin: germline.
Comment: This variant occurs in the RMRP gene, which encodes an RNA molecule that does not result in a protein product. This variant is present in population databases (rs545125827, gnomAD 0.03%). This variant has not been reported in the literature in individuals affected with RMRP-related conditions. Experimental studies and prediction algorithms are not available or were not evaluated, and the functional significance of this variant is currently unknown. In summary, the available evidence is currently insufficient to determine the role of this variant in disease. Therefore, it has been classified as a Variant of Uncertain Significance.

NC_000009.12:g.35658076T>C

Gene: RMRP (RNA component of mitochondrial RNA processing endoribonuclease; minus strand). Cytogenetic location: 9p13.3.
Variant type: single nucleotide variant.
Genome position: GRCh38 VCF-style: chr9-35658076-T-C. GRCh37 (hg19) VCF-style: chr9-35658073-T-C.
Identifiers: ClinVar variation 2071763 (VCV002071763.2), dbSNP rs545125827, ClinGen allele CA15584911.
Genomic context (GRCh38, chr9:35,658,076, plus strand): 5'-ACCACGTCCTCAGCTTCACAGAGTAGTATTTTATAGCCCTAAAGAAATTGTGTTTTATGA[T>C]TAGGGTGAGAAAGTTGGTGGCGTGAGATTAAAAAAACCGTTTTCGGGCATAACTTTCTAA-3'